The following is an entry in ClinVar:

ClinVar aggregate classification (germline): Uncertain significance (1 of 4 stars; one submission).

Conditions:
Kabuki syndrome. Also called: NIIKAWA-KUROKI SYNDROME; Kabuki make-up syndrome. Identifiers: Orphanet 2322, MedGen C0796004, MONDO:0016512.

Submission:

Labcorp Genetics (formerly Invitae), Labcorp
Classification: Uncertain significance for Kabuki syndrome. Last evaluated: 2025-02-07. Review status: criteria provided, single submitter. Criteria: Invitae Variant Classification Sherloc (09022015). Collection method: clinical testing. Allele origin: germline.
Comment: This sequence change replaces proline, which is neutral and non-polar, with glutamine, which is neutral and polar, at codon 2613 of the KMT2D protein (p.Pro2613Gln). This variant is not present in population databases (gnomAD no frequency). This variant has not been reported in the literature in individuals affected with KMT2D-related conditions. Invitae Evidence Modeling of protein sequence and biophysical properties (such as structural, functional, and spatial information, amino acid conservation, physicochemical variation, residue mobility, and thermodynamic stability) indicates that this missense variant is not expected to disrupt KMT2D protein function with a negative predictive value of 95%. In summary, the available evidence is currently insufficient to determine the role of this variant in disease. Therefore, it has been classified as a Variant of Uncertain Significance.

NM_003482.4(KMT2D):c.7838C>A (p.Pro2613Gln)

Gene: KMT2D (lysine methyltransferase 2D; minus strand). Cytogenetic location: 12q13.12.
Variant type: single nucleotide variant.
Coding change: c.7838C>A on transcript NM_003482.4 (MANE Select); coding-DNA position 7838, C replaced by A.
Protein change: p.Pro2613Gln; replaces proline 2613 with glutamine.
Molecular consequence: missense variant.
Genome position (GRCh38, 1-based): chr12:49,039,932, G>T on the plus strand (C>A on the coding strand, the complement: KMT2D is on the minus strand). VCF-style: chr12-49039932-G-T. GRCh37 (hg19) VCF-style: chr12-49433715-G-T.
Other names: short protein forms P2613Q.
Identifiers: ClinVar variation 4801232 (VCV004801232.1).